The following is an entry in ClinVar:

ClinVar aggregate classification (germline): Uncertain significance (1 of 4 stars; one submission).

Conditions:
Ehlers-Danlos syndrome, classic type, 1 (EDSCL1). Also called: Ehlers-Danlos Syndrome, Classic Type, COL5A1-Related; EDS I; EHLERS-DANLOS SYNDROME, GRAVIS TYPE; EHLERS-DANLOS SYNDROME, SEVERE CLASSIC TYPE; Ehlers-Danlos syndrome, type 1. Identifiers: MedGen C0268335, MONDO:0019567, OMIM 130000.

gnomAD v4.1: 1 of 1,550,792 alleles (0.000064%); highest among the groups gnomAD compares: African/African-American, 0.0014%; no homozygotes.

Submission:

Labcorp Genetics (formerly Invitae), Labcorp
Classification: Uncertain significance for Ehlers-Danlos syndrome, classic type, 1. Last evaluated: 2025-11-09. Review status: criteria provided, single submitter. Criteria: Invitae Variant Classification Sherloc (09022015). Collection method: clinical testing. Allele origin: germline.
Comment: This sequence change replaces proline, which is neutral and non-polar, with arginine, which is basic and polar, at codon 1334 of the COL5A1 protein (p.Pro1334Arg). This variant is not present in population databases (gnomAD no frequency). This variant has not been reported in the literature in individuals affected with COL5A1-related conditions. Invitae Evidence Modeling of protein sequence and biophysical properties (such as structural, functional, and spatial information, amino acid conservation, physicochemical variation, residue mobility, and thermodynamic stability) has been performed for this missense variant. However, the output from this modeling did not meet the statistical confidence thresholds required to predict the impact of this variant on COL5A1 protein function. In summary, the available evidence is currently insufficient to determine the role of this variant in disease. Therefore, it has been classified as a Variant of Uncertain Significance.

NM_000093.5(COL5A1):c.4001C>G (p.Pro1334Arg)

Gene: COL5A1 (collagen type V alpha 1 chain; plus strand). Cytogenetic location: 9q34.3.
Variant type: single nucleotide variant.
Coding change: c.4001C>G on transcript NM_000093.5 (MANE Select); coding-DNA position 4001, C replaced by G.
Protein change: p.Pro1334Arg; replaces proline 1334 with arginine.
Molecular consequence: missense variant.
Genome position (GRCh38, 1-based): chr9:134,814,891, C>G. VCF-style: chr9-134814891-C-G. GRCh37 (hg19) VCF-style: chr9-137706737-C-G.
Other names: c.4001C>G, p.Pro1334Arg (NM_001278074.1); short protein forms P1334R.
Identifiers: ClinVar variation 4809251 (VCV004809251.1).